The following is an entry in ClinVar:

NM_014956.5(CEP164):c.2527G>A (p.Val843Met)

Gene: CEP164 (centrosomal protein 164; plus strand). Cytogenetic location: 11q23.3.
Variant type: single nucleotide variant.
Coding change: c.2527G>A on transcript NM_014956.5 (MANE Select); coding-DNA position 2527, G replaced by A.
Protein change: p.Val843Met; replaces valine 843 with methionine.
Molecular consequence: missense variant.
Genome position (GRCh38, 1-based): chr11:117,393,037, G>A. VCF-style: chr11-117393037-G-A. GRCh37 (hg19) VCF-style: chr11-117263753-G-A.
Other names: c.2536G>A, p.Val846Met (NM_001271933.2); c.2527G>A (NM_014956.4); short protein forms V846M, V843M.
Identifiers: ClinVar variation 1047598 (VCV001047598.11), dbSNP rs566117718, ClinGen allele CA6295116.
Genomic context (GRCh38, chr11:117,393,037, plus strand): 5'-GCCACATCCCTGCCATCTCCCCTGCAGCTCAGCAGTCTCCTGCGAGAGAAGCGCCAGGAA[G>A]TGGAAGGGGAGCATGAGAGGAGGTTGGACAAGATGAAGGAGGAGCACCAGCAAGTGATGG-3'
Protein context (NP_055771.4, residues 833-853): SSLLREKRQE[Val843Met]EGEHERRLDK

ClinVar aggregate classification (germline): Uncertain significance. Review status: criteria provided, multiple submitters, no conflicts (2 of 4 stars). 3 submissions from 3 submitters: Uncertain significance (3). Last evaluated 2026-07-21.

Conditions:
CEP164-related disorder. Also called: CEP164-related condition.
Nephronophthisis 15 (NPHP15). Identifiers: Orphanet 3156, MedGen C3541853, MONDO:0013917, OMIM 614845.

Allele frequency attached by ClinVar (database versions not stated): gnomAD below 0.00001 and 0.00005; gnomAD exomes 0.00005 and 0.00014; ExAC 0.00016; 1000 Genomes Project 30x 0.00109; 1000 Genomes Project 0.00120.
gnomAD v4.1: 82 of 1,613,760 alleles (0.0051%); highest among the groups gnomAD compares: South Asian, 0.08%; 1 homozygote.

Submissions (3):

PreventionGenetics, part of Exact Sciences
Classification: Uncertain significance for CEP164-related condition. Last evaluated: 2026-07-21. Review status: criteria provided, single submitter. Criteria: ACMG Guidelines, 2015. Collection method: clinical testing. Allele origin: germline.
Comment: The CEP164 c.2527G>A variant is predicted to result in the amino acid substitution p.Val843Met. To our knowledge, this variant has not been reported in the literature. This variant is reported in 0.11% of alleles in individuals of South Asian descent in gnomAD. Although we suspect that this variant may be benign, at this time, the clinical significance of this variant is uncertain due to the absence of conclusive functional and genetic evidence.

Labcorp Genetics (formerly Invitae), Labcorp
Classification: Uncertain significance for Nephronophthisis 15. Last evaluated: 2025-09-02. Review status: criteria provided, single submitter. Criteria: Invitae Variant Classification Sherloc (09022015). Collection method: clinical testing. Allele origin: germline.
Comment: This sequence change replaces valine, which is neutral and non-polar, with methionine, which is neutral and non-polar, at codon 843 of the CEP164 protein (p.Val843Met). This variant is present in population databases (rs566117718, gnomAD 0.1%). This variant has not been reported in the literature in individuals affected with CEP164-related conditions. ClinVar contains an entry for this variant (Variation ID: 1047598). Invitae Evidence Modeling of protein sequence and biophysical properties (such as structural, functional, and spatial information, amino acid conservation, physicochemical variation, residue mobility, and thermodynamic stability) has been performed for this missense variant. However, the output from this modeling did not meet the statistical confidence thresholds required to predict the impact of this variant on CEP164 protein function. In summary, the available evidence is currently insufficient to determine the role of this variant in disease. Therefore, it has been classified as a Variant of Uncertain Significance.

Fulgent Genetics
Classification: Uncertain significance for Nephronophthisis 15. Last evaluated: 2024-05-23. Review status: criteria provided, single submitter. Criteria: ACMG Guidelines, 2015. Collection method: clinical testing. Allele origin: germline.